The following is an entry in ClinVar:

ClinVar aggregate classification (germline): Conflicting classifications of pathogenicity. Review status: criteria provided, conflicting classifications (1 of 4 stars). 3 submissions from 3 submitters: Uncertain significance (2); Likely benign (1). Last evaluated 2023-12-14.

Conditions:
Pyridoxine-dependent epilepsy (EPEO4). Also called: Pyridoxine-Dependent Seizures; Pyridoxine-Dependent Epilepsy - ALDH7A1; PYRIDOXINE DEPENDENCY WITH SEIZURES; EPILEPSY, EARLY-ONSET, 4, VITAMIN B6-DEPENDENT. Identifiers: Orphanet 3006, MedGen C1849508, MONDO:0009945, OMIM 266100. Disease mechanism: loss of function.

Allele frequency attached by ClinVar (database versions not stated): TOPMed 0.00001.
gnomAD v4.1: 8 of 1,612,202 alleles (0.0005%); highest among the groups gnomAD compares: African/African-American, 0.0093%; no homozygotes.

Submissions (3):

Labcorp Genetics (formerly Invitae), Labcorp
Classification: Likely benign for Pyridoxine-dependent epilepsy. Last evaluated: 2023-12-14. Review status: criteria provided, single submitter. Criteria: Invitae Variant Classification Sherloc (09022015). Collection method: clinical testing. Allele origin: germline.

Genome-Nilou Lab
Classification: Uncertain significance for Pyridoxine-dependent epilepsy. Last evaluated: 2023-04-11. Review status: criteria provided, single submitter. Criteria: ACMG Guidelines, 2015. Collection method: clinical testing. Allele origin: germline. Affected: no.

GeneDx
Classification: Uncertain significance. Last evaluated: 2019-09-27. Review status: criteria provided, single submitter. Criteria: GeneDx Variant Classification Process June 2021. Collection method: clinical testing. Allele origin: germline. Affected: yes.
Comment: Located in a region that tolerates variation and lacks pathogenic variants; Has not been previously published as pathogenic or benign to our knowledge; In silico analysis, which includes splice predictors and evolutionary conservation, suggests this variant may impact gene splicing. In the absence of RNA/functional studies, the actual effect of this sequence change is unknown.

NM_001182.5(ALDH7A1):c.313-10C>A

Gene: ALDH7A1 (aldehyde dehydrogenase 7 family member A1; minus strand). Cytogenetic location: 5q23.2.
Variant type: single nucleotide variant.
Coding change: c.313-10C>A on transcript NM_001182.5 (MANE Select); 10 bases into the intron before coding-DNA position 313, C replaced by A.
Molecular consequence: intron variant.
Genome position (GRCh38, 1-based): chr5:126,584,022, G>T on the plus strand (C>A on the coding strand, the complement: ALDH7A1 is on the minus strand). VCF-style: chr5-126584022-G-T. GRCh37 (hg19) VCF-style: chr5-125919714-G-T.
Other names: c.313-10C>A (NM_001202404.2); c.229-10C>A (NM_001201377.2).
Identifiers: ClinVar variation 1027283 (VCV001027283.11), dbSNP rs567441242, ClinGen allele CA3389798.